The following is an entry in ClinVar:

ClinVar aggregate classification (germline): Likely benign. Review status: criteria provided, multiple submitters, no conflicts (2 of 4 stars). 6 submissions from 6 submitters: Likely benign (5). 1 of the submissions does not count toward it. Last evaluated 2026-09-01.

Conditions:
CHD7-related disorder. Also called: CHD7-related condition.
Inborn genetic diseases. Identifiers: MedGen C0950123, MeSH D030342.
CHARGE syndrome (CHARGE). Also called: Hittner Hirsch Kreh syndrome; Coloboma, heart anomaly, choanal atresia, retardation, genital and ear anomalies; CHARGE association; Hall-Hittner syndrome; CHARGE ASSOCIATION--COLOBOMA, HEART ANOMALY, CHOANAL ATRESIA, RETARDATION, GENITAL AND EAR ANOMALIES. Identifiers: Orphanet 138, MedGen C0265354, MONDO:0008965.

Allele frequency attached by ClinVar (database versions not stated): gnomAD 0.00004; gnomAD exomes 0.00004 and 0.00005; TOPMed 0.00004; ESP Exome Variant Server 0.00008; ExAC 0.00009.
gnomAD v4.1: 65 of 1,612,498 alleles (0.004%); highest among the groups gnomAD compares: Admixed American, 0.0067%; no homozygotes.

Submissions (6):

CeGaT Center for Human Genetics Tuebingen
Classification: Likely benign. Last evaluated: 2026-09-01. Review status: criteria provided, single submitter. Criteria: CeGaT Center For Human Genetics Tuebingen Variant Classification Criteria Version 2. Collection method: clinical testing. Allele origin: germline. Affected: yes. Observed: 1 variant allele.
Comment: CHD7: BP4, BP7

Labcorp Genetics (formerly Invitae), Labcorp
Classification: Likely benign for CHARGE syndrome. Last evaluated: 2026-01-12. Review status: criteria provided, single submitter. Criteria: Invitae Variant Classification Sherloc (09022015). Collection method: clinical testing. Allele origin: germline.

Blueprint Genetics
Classification: Likely benign. Last evaluated: 2024-06-25. Review status: criteria provided, single submitter. Criteria: ACMG Guidelines, 2015. Collection method: clinical testing. Allele origin: germline.

GeneDx
Classification: Likely benign. Last evaluated: 2021-06-08. Review status: criteria provided, single submitter. Criteria: GeneDx Variant Classification Process June 2021. Collection method: clinical testing. Allele origin: germline. Affected: yes.

Ambry Genetics
Classification: Likely benign for Inborn genetic diseases. Last evaluated: 2020-09-18. Review status: criteria provided, single submitter. Criteria: Ambry Variant Classification Scheme 2023. Collection method: clinical testing. Allele origin: germline.

PreventionGenetics, part of Exact Sciences
Classification: Likely benign for CHD7-related condition. Last evaluated: 2021-02-17. Review status: no assertion criteria provided. Collection method: clinical testing. Allele origin: germline. Not counted in ClinVar's aggregate classification.
Comment: This variant is classified as likely benign based on ACMG/AMP sequence variant interpretation guidelines (Richards et al. 2015 PMID: 25741868, with internal and published modifications).

NM_017780.4(CHD7):c.8919C>T (p.Asp2973=)

Gene: CHD7 (chromodomain helicase DNA binding protein 7; plus strand). Cytogenetic location: 8q12.2.
Variant type: single nucleotide variant.
Coding change: c.8919C>T on transcript NM_017780.4 (MANE Select); coding-DNA position 8919, C replaced by T.
Protein change: p.Asp2973=; no amino-acid change (aspartic acid 2973 retained).
Molecular consequence: synonymous variant.
Genome position (GRCh38, 1-based): chr8:60,865,858, C>T. VCF-style: chr8-60865858-C-T. GRCh37 (hg19) VCF-style: chr8-61778417-C-T.
Other names: c.2772C>T, p.Asp924= (NM_001316690.1).
Identifiers: ClinVar variation 529152 (VCV000529152.18), dbSNP rs368038649, ClinGen allele CA4761090.